The following is an entry in ClinVar:

ClinVar aggregate classification (germline): Uncertain significance (1 of 4 stars; one submission).

Submission:

GeneDx
Classification: Uncertain significance. Last evaluated: 2023-03-25. Review status: criteria provided, single submitter. Criteria: GeneDx Variant Classification Process June 2021. Collection method: clinical testing. Allele origin: germline. Affected: yes.
Comment: Not observed at significant frequency in large population cohorts (gnomAD); In silico analysis supports that this missense variant does not alter protein structure/function; Has not been previously published as pathogenic or benign to our knowledge

NM_001025616.3(ARHGAP24):c.1736C>G (p.Pro579Arg)

Gene: ARHGAP24 (Rho GTPase activating protein 24; plus strand). Cytogenetic location: 4q21.23.
Variant type: single nucleotide variant.
Coding change: c.1736C>G on transcript NM_001025616.3 (MANE Select); coding-DNA position 1736, C replaced by G.
Protein change: p.Pro579Arg; replaces proline 579 with arginine.
Molecular consequence: missense variant.
Genome position (GRCh38, 1-based): chr4:85,995,390, C>G. VCF-style: chr4-85995390-C-G. GRCh37 (hg19) VCF-style: chr4-86916543-C-G.
Other names: c.1451C>G, p.Pro484Arg (NM_001042669.2); c.1481C>G, p.Pro494Arg (NM_001287805.2); c.1157C>G, p.Pro386Arg (NM_001346093.2); c.1457C>G, p.Pro486Arg (NM_031305.3); short protein forms P386R, P484R, P486R, P494R, P579R.
Identifiers: ClinVar variation 2580706 (VCV002580706.1), dbSNP rs2546209168, ClinGen allele CA357577024.